The following is an entry in ClinVar:

NM_031475.3(ESPN):c.337C>T (p.Arg113Cys)

Gene: ESPN (espin; plus strand). Cytogenetic location: 1p36.31.
Variant type: single nucleotide variant.
Coding change: c.337C>T on transcript NM_031475.3 (MANE Select); coding-DNA position 337, C replaced by T.
Protein change: p.Arg113Cys; replaces arginine 113 with cysteine.
Molecular consequence: missense variant.
Genome position (GRCh38, 1-based): chr1:6,428,268, C>T. VCF-style: chr1-6428268-C-T. GRCh37 (hg19) VCF-style: chr1-6488328-C-T.
Other names: c.337C>T, p.Arg113Cys (NM_001367473.1, NM_001367474.1); short protein forms R113C.
Identifiers: ClinVar variation 228670 (VCV000228670.15), dbSNP rs143577178, ClinGen allele CA559861.
Genomic context (GRCh38, chr1:6,428,268, plus strand): 5'-CCAGCTCTCCTCCCACAGGACAAAGACAATTCTGGTGCCACAGTCTTGCATCTGGCTGCC[C>T]GCTTCGGCCACCCCGAGGTGGTGAACTGGCTCTTGCATCATGGCGGTGGGGACCCCACCG-3'
Protein context (NP_113663.2, residues 103-123): SGATVLHLAA[Arg113Cys]FGHPEVVNWL

ClinVar aggregate classification (germline): Conflicting classifications of pathogenicity. Review status: criteria provided, conflicting classifications (1 of 4 stars). 6 submissions from 6 submitters: Uncertain significance (5); Likely benign (1). Last evaluated 2026-03-01.

Conditions:
Retinal dystrophy. Also called: Inherited retinal dystrophy. Identifiers: Orphanet 71862, MedGen C0854723, MeSH D058499, MONDO:0019118, HP:0000556.

Allele frequency attached by ClinVar (database versions not stated): ESP Exome Variant Server 0.00015; gnomAD 0.00024 and 0.00030; 1000 Genomes Project 0.00040; TOPMed 0.00042; 1000 Genomes Project 30x 0.00047; ExAC 0.00050; gnomAD exomes 0.00051.

Submissions (6):

CeGaT Center for Human Genetics Tuebingen
Classification: Likely benign. Last evaluated: 2026-03-01. Review status: criteria provided, single submitter. Criteria: CeGaT Center For Human Genetics Tuebingen Variant Classification Criteria Version 2. Collection method: clinical testing. Allele origin: germline. Affected: yes. Observed: 1 variant allele.
Comment: ESPN: BS1

Blueprint Genetics
Classification: Uncertain significance. Last evaluated: 2024-11-08. Review status: criteria provided, single submitter. Criteria: ACMG Guidelines, 2015. Collection method: clinical testing. Allele origin: germline.

Labcorp Genetics (formerly Invitae), Labcorp
Classification: Uncertain significance. Last evaluated: 2022-07-26. Review status: criteria provided, single submitter. Criteria: Invitae Variant Classification Sherloc (09022015). Collection method: clinical testing. Allele origin: germline.
Comment: This sequence change replaces arginine, which is basic and polar, with cysteine, which is neutral and slightly polar, at codon 113 of the ESPN protein (p.Arg113Cys). This variant is present in population databases (rs143577178, gnomAD 0.1%), including at least one homozygous and/or hemizygous individual. This missense change has been observed in individual(s) with nonsyndromic deafness (PMID: 30344259). ClinVar contains an entry for this variant (Variation ID: 228670). Algorithms developed to predict the effect of missense changes on protein structure and function are either unavailable or do not agree on the potential impact of this missense change (SIFT: "Deleterious"; PolyPhen-2: "Probably Damaging"; Align-GVGD: "Class C15"). In summary, the available evidence is currently insufficient to determine the role of this variant in disease. Therefore, it has been classified as a Variant of Uncertain Significance.

Institute of Human Genetics, Univ. Regensburg, Univ. Regensburg
Classification: Uncertain significance for Retinal dystrophy. Last evaluated: 2022-01-01. Review status: criteria provided, single submitter. Criteria: ACMG Guidelines, 2015. Collection method: clinical testing. Allele origin: germline. Affected: yes.

Revvity Omics, Revvity
Classification: Uncertain significance. Last evaluated: 2019-07-12. Review status: criteria provided, single submitter. Criteria: ACMG Guidelines, 2015. Collection method: clinical testing. Allele origin: germline.

Laboratory for Molecular Medicine, Mass General Brigham Personalized Medicine
Classification: Uncertain significance. Last evaluated: 2017-10-24. Review status: criteria provided, single submitter. Criteria: LMM Criteria. Collection method: clinical testing. Allele origin: germline. Observed: 3 variant alleles.
Comment: Variant classified as Uncertain Significance - Favor Benign. The p.Arg113Cys var iant in ESPN has been previously reported by our laboratory in the heterozygous state in 2 individuals with hearing loss; however, a variant affecting the remai ning copy of ESPN was not identified in either of them. This variant has been id entified in 0.04% (123/275670) of total chromosomes including 0.1% (40/34420) of Latino chromosomes by the Genome Aggregation Database (gnomAD; dbSNP rs143577178). Although this variant has been seen in th e general population, its frequency is not high enough to rule out a pathogenic role. Computational prediction tools and conservation analysis suggest that the p.Arg113Cys variant may impact the protein, though this information is not predi ctive enough to determine pathogenicity. In summary, while the clinical signific ance of the p.Arg113Cys variant is uncertain, its frequency in the general popul ation suggests that it is more likely to be benign. ACMG/AMP Criteria applied: B S1_Support, PP3 (Richards 2015).

Literature cited by the submitters: PubMed 30344259 (cited by Labcorp Genetics (formerly Invitae), Labcorp and Institute of Human Genetics, Univ. Regensburg, Univ. Regensburg).